The following is an entry in ClinVar:

ClinVar aggregate classification (germline): Likely pathogenic. Review status: criteria provided, multiple submitters, no conflicts (2 of 4 stars). 2 submissions from 2 submitters: Likely pathogenic (2). Last evaluated 2024-04-05.

Conditions:
Methylmalonic aciduria, cblB type (MACB). Also called: METHYLMALONIC ACIDURIA, VITAMIN B12-RESPONSIVE, DUE TO DEFECT IN SYNTHESIS OF ADENOSYLCOBALAMIN, cblB TYPE; Methylmalonic acidemia cblB type; Vitamin B12-responsive methylmalonic acidemia type cblB. Identifiers: Orphanet 28, Orphanet 79311, MedGen C1855102, MONDO:0009614, OMIM 251110.

Submissions (2):

Natera, Inc.
Classification: Likely pathogenic for Methylmalonic aciduria cblB type. Last evaluated: 2024-04-05. Review status: criteria provided, single submitter. Criteria: Natera Variant Classification Schema (03/2026). Collection method: clinical testing. Allele origin: germline.
Comment: The c.2T>G variant in MMAB is predicted to result in start loss due to disruption of the initiator methionine. This variant is expected to result in nonsense mediated decay, truncation, or a dysfunctional protein product. This variant is rare in the general population with a frequency below the threshold expected for the associated phenotype(s). Given the available evidence, this variant is classified as Likely Pathogenic.

Labcorp Genetics (formerly Invitae), Labcorp
Classification: Likely pathogenic for Methylmalonic aciduria, cblB type. Last evaluated: 2020-02-14. Review status: criteria provided, single submitter. Criteria: Invitae Variant Classification Sherloc (09022015). Collection method: clinical testing. Allele origin: germline.
Comment: This variant disrupts the initiator methionine in MMAB. If translation initiates from the next-in-frame methionine, the MMAB protein would no longer include the region containing p.Arg191 amino acid residue. Other variant(s) that disrupt this residue have been determined to be pathogenic (PMID: 16410054, 27591164, 23707710). This suggests that this residue is clinically significant, and that variants that disrupt this residue are likely to be disease-causing. This variant has not been reported in the literature in individuals with MMAB-related conditions. In summary, the currently available evidence indicates that the variant is pathogenic, but additional data are needed to prove that conclusively. Therefore, this variant has been classified as Likely Pathogenic. This sequence change affects the initiator methionine of the MMAB mRNA. The next in-frame methionine is located at codon 202. This variant is not present in population databases (ExAC no frequency).

Literature cited by the submitters: PubMed 16410054 (cited by Labcorp Genetics (formerly Invitae), Labcorp); PubMed 27591164 (cited by Labcorp Genetics (formerly Invitae), Labcorp); PubMed 23707710 (cited by Labcorp Genetics (formerly Invitae), Labcorp).

NM_052845.4(MMAB):c.2T>G (p.Met1Arg)

Genes: MMAB (metabolism of cobalamin associated B; minus strand), MVK (mevalonate kinase; plus strand). Cytogenetic location: 12q24.11.
Variant type: single nucleotide variant.
Coding change: c.2T>G on transcript NM_052845.4 (MANE Select); coding-DNA position 2, T replaced by G.
Protein change: p.Met1Arg; changes the start codon (methionine 1).
Molecular consequence: missense variant, initiator codon variant. On other transcripts: non-coding transcript variant (1).
Genome position (GRCh38, 1-based): chr12:109,573,479, A>C on the plus strand (T>G on the coding strand, the complement: MMAB is on the minus strand). VCF-style: chr12-109573479-A-C. GRCh37 (hg19) VCF-style: chr12-110011284-A-C.
Other names: c.2T>G (NM_052845.3); short protein forms M1R.
Identifiers: ClinVar variation 1066680 (VCV001066680.15), dbSNP rs869320655, ClinGen allele CA386641676.
Genomic context (GRCh38, chr12:109,573,479, plus strand): 5'-CACCCGCGCAGGCCAAGACGGCTCCCCAGGCCAAGACGGCTCCCCAGGCCGCACACAGCC[A>C]TGAGCCAGGCTGCTTGACGGGACCTGACCCCGCCAGGTTCCCGTCCAGTCCGCGGGGTGA-3'
Protein context (NP_443077.1, residues 1-11): [Met1Arg]AVCGLGSRLG